The following is an entry in ClinVar:

ClinVar aggregate classification (germline): Pathogenic (1 of 4 stars; one submission).

Conditions:
Intellectual disability, X-linked, with or without seizures, ARX-related. Also called: INTELLECTUAL DEVELOPMENTAL DISORDER, X-LINKED 29; MENTAL RETARDATION, X-LINKED 29; MENTAL RETARDATION, X-LINKED 32; MENTAL RETARDATION, X-LINKED 33; MENTAL RETARDATION, X-LINKED 38; MENTAL RETARDATION, X-LINKED 43. Identifiers: Orphanet 777, MedGen C0796244, MONDO:0010317, OMIM 300419.

Submission:

Victorian Clinical Genetics Services, Murdoch Childrens Research Institute
Classification: Pathogenic for Intellectual disability, X-linked, with or without seizures, ARX-related. Last evaluated: 2024-10-12. Review status: criteria provided, single submitter. Criteria: ACMG Guidelines, 2015. Collection method: clinical testing. Allele origin: germline. Affected: yes.
Comment: This variant is classified as Pathogenic. Evidence in support of pathogenic classification: Variant is absent from gnomAD (v2, v3 and v4); This variant has moderate previous evidence of pathogenicity in an unrelated individual. An alternate nucleotide change at this position has been classified as likely pathogenic and said to be de novo in an individual with developmental and epileptic encephalopathy 1 (ClinVar); Another start loss variant comparable to the one identified in this case has limited previous evidence for pathogenicity. c.2T>G has been classified once as pathogenic in ClinVar; Additional information: Variant is predicted to result in a loss of the canonical translation initiation codon (ATG) but an alternative initiation codon is known to exist. The next methionine is located at amino acid number 41 (DECIPHER); This variant is hemizygous; This gene is associated with X-linked disease. Females with NMD-predicted variants have been reported as either healthy carriers or symptomatic, even within the same families. Phenotypic presentation has not been found to be linked to X-inactivation skewing (PMID: 14722918, PMID: 28150386, PMID: 32519823); No published functional evidence has been identified for this variant; Loss of function is a known mechanism of disease in this gene and is associated with ARX-related disease (OMIM). Variants predicted to result in nonsense-mediated decay (NMD) have been reported in patients with hydranencephaly with abnormal genitalia, X-linked lissencephaly 2 (MIM#300215) and Proud syndrome (MIM#300004). Expansions of the poly-alanine tract have been reported in patients with developmental and epileptic encephalopathy 1 (MIM#308350), Partington syndrome (MIM#309510) and intellectual developmental disorder, X-linked 29 (MIM#300419). Missense variants have variable phenotypic presentation, have been reported in patients with all aforementioned phenotypes (OMIM, PMID: 21496008, PMID: 14722918, PMID: 19738637); Variants in this gene are known to have variable expressivity, with intrafamilial and interfamilial pleiotropy (OMIM, PMID: 14722918).

Literature cited by the submitters: PubMed 28150386; PubMed 32519823; PubMed 21496008; PubMed 14722918; PubMed 19738637.

NM_139058.3(ARX):c.1A>C (p.Met1Leu)

Gene: ARX (aristaless related homeobox; minus strand). Cytogenetic location: Xp21.3.
Variant type: single nucleotide variant.
Coding change: c.1A>C on transcript NM_139058.3 (MANE Select); coding-DNA position 1, A replaced by C.
Protein change: p.Met1Leu; changes the start codon (methionine 1).
Molecular consequence: missense variant, initiator codon variant.
Genome position (GRCh38, 1-based): chrX:25,015,737, T>G on the plus strand (A>C on the coding strand, the complement: ARX is on the minus strand). VCF-style: chrX-25015737-T-G. GRCh37 (hg19) VCF-style: chrX-25033854-T-G.
Other names: short protein forms M1L.
Identifiers: ClinVar variation 4532185 (VCV004532185.1).